The following is an entry in ClinVar:

NM_133433.4(NIPBL):c.5225_5225+6del

Gene: NIPBL (NIPBL cohesin loading factor; plus strand). Cytogenetic location: 5p13.2.
Variant type: Deletion.
Coding change: c.5225_5225+6del on transcript NM_133433.4 (MANE Select); coding-DNA position 5225 through 6 bases into the intron after coding-DNA position 5225, 7 bases deleted (AGTAAGA; older notation c.5225_5225+6delAGTAAGA).
Molecular consequence: splice donor variant.
Genome position (GRCh38, 1-based): chr5:37,020,673-37,020,679, AGTAAGA deleted; deleting any 7 consecutive bases within chr5:37,020,672-37,020,679 gives the same sequence; the c. name uses the placement nearest the transcript's 3' end. VCF-style (leftmost placement, unchanged base first): chr5-37020671-AAAGTAAG-A. GRCh37 (hg19) VCF-style: chr5-37020773-AAAGTAAG-A.
Other names: c.5225_5225+6del (NM_015384.5).
Identifiers: ClinVar variation 3255020 (VCV003255020.2), dbSNP rs2478318349.

ClinVar aggregate classification (germline): Pathogenic (1 of 4 stars; one submission).

Conditions:
Cornelia de Lange syndrome 1 (CDLS1). Also called: Brachmann de Lange syndrome; NIPBL-Related Cornelia de Lange Syndrome; TYPUS DEGENERATIVUS AMSTELODAMENSIS. Identifiers: Orphanet 199, MedGen C4551851, MONDO:0007387, OMIM 122470.

Submission:

Victorian Clinical Genetics Services, Murdoch Childrens Research Institute
Classification: Pathogenic for Cornelia de Lange syndrome 1. Last evaluated: 2024-09-20. Review status: criteria provided, single submitter. Criteria: ACMG Guidelines, 2015. Collection method: clinical testing. Allele origin: germline. Inheritance: Autosomal dominant inheritance. Affected: yes.
Comment: Based on the classification scheme VCGS_Germline_v1.3.4, this variant is classified as Pathogenic. Following criteria are met: 0102 - Loss of function is a known mechanism of disease in this gene and is associated with Cornelia de Lange syndrome 1 (MIM#122470). (I) 0107 - This gene is associated with autosomal dominant disease. (I) 0211 - Canonical splice site variant without proven consequence on splicing (no functional evidence available). (SP) 0251 - This variant is heterozygous. (I) 0301 - Variant is absent from gnomAD (both v2 and v3). (SP) 0505 - Abnormal splicing is predicted by in silico tools and affected nucleotides are highly conserved. (SP) 0704 - Another splice variant comparable to the one identified in this case has limited previous evidence for pathogenicity. A comparable variant, c.5225_5225+4del, has been reported as heterozygous in an individual with Cornelia de Lange syndrome (PMID: 26701315). (SP) 0807 - This variant has no previous evidence of pathogenicity. (I) 0905 - No published segregation evidence has been identified for this variant. (I) 1007 - No published functional evidence has been identified for this variant. (I) 1102 - Strong phenotype match for this individual. (SP) Legend: (SP) - Supporting pathogenic, (I) - Information, (SB) - Supporting benign

Literature cited by the submitters: PubMed 26701315.